The following is an entry in ClinVar:

ClinVar aggregate classification (germline): Uncertain significance. Review status: criteria provided, multiple submitters, no conflicts (2 of 4 stars). 2 submissions from 2 submitters: Uncertain significance (2). Last evaluated 2025-08-30.

Conditions:
Inborn genetic diseases. Identifiers: MedGen C0950123, MeSH D030342.
Neuronopathy, distal hereditary motor, autosomal recessive 4. Also called: Autosomal recessive lower motor neuron disease with childhood onset; NEUROPATHY, DISTAL HEREDITARY MOTOR, AUTOSOMAL RECESSIVE 4. Identifiers: Orphanet 206580, MedGen C1970211, MONDO:0012608, OMIM 611067.
Charcot-Marie-Tooth disease recessive intermediate C. Also called: CHARCOT-MARIE-TOOTH NEUROPATHY, RECESSIVE INTERMEDIATE C. Identifiers: Orphanet 369867, MedGen C3809309, MONDO:0014154, OMIM 615376.

Allele frequency attached by ClinVar (database versions not stated): gnomAD exomes 0.00001; gnomAD 0.00002; TOPMed 0.00002.
gnomAD v4.1: 11 of 1,612,804 alleles (0.00068%); highest among the groups gnomAD compares: South Asian, 0.0011%; no homozygotes.

Submissions (2):

Ambry Genetics
Classification: Uncertain significance for Inborn genetic diseases. Last evaluated: 2025-08-30. Review status: criteria provided, single submitter. Criteria: Ambry Variant Classification Scheme 2023. Collection method: clinical testing. Allele origin: germline.

Labcorp Genetics (formerly Invitae), Labcorp
Classification: Uncertain significance for Neuronopathy, distal hereditary motor, autosomal recessive 4; Charcot-Marie-Tooth disease recessive intermediate C. Last evaluated: 2022-04-23. Review status: criteria provided, single submitter. Criteria: Invitae Variant Classification Sherloc (09022015). Collection method: clinical testing. Allele origin: germline.
Comment: This sequence change replaces alanine, which is neutral and non-polar, with valine, which is neutral and non-polar, at codon 751 of the PLEKHG5 protein (p.Ala751Val). This variant is not present in population databases (gnomAD no frequency). This variant has not been reported in the literature in individuals affected with PLEKHG5-related conditions. Algorithms developed to predict the effect of missense changes on protein structure and function output the following: SIFT: "Tolerated"; PolyPhen-2: "Benign"; Align-GVGD: "Class C0". The valine amino acid residue is found in multiple mammalian species, which suggests that this missense change does not adversely affect protein function. In summary, the available evidence is currently insufficient to determine the role of this variant in disease. Therefore, it has been classified as a Variant of Uncertain Significance.

NM_020631.6(PLEKHG5):c.2252C>T (p.Ala751Val)

Gene: PLEKHG5 (pleckstrin homology and RhoGEF domain containing G5; minus strand). Cytogenetic location: 1p36.31.
Variant type: single nucleotide variant.
Coding change: c.2252C>T on transcript NM_020631.6 (MANE Select); coding-DNA position 2252, C replaced by T.
Protein change: p.Ala751Val; replaces alanine 751 with valine.
Molecular consequence: missense variant.
Genome position (GRCh38, 1-based): chr1:6,468,584, G>A on the plus strand (C>T on the coding strand, the complement: PLEKHG5 is on the minus strand). VCF-style: chr1-6468584-G-A. GRCh37 (hg19) VCF-style: chr1-6528644-G-A.
Other names: c.2363C>T, p.Ala788Val (NM_001042663.3, NM_001265592.2); c.2252C>T, p.Ala751Val (NM_001042664.2, NM_001042665.2, NM_001265594.3 and 1 more transcripts); c.2459C>T, p.Ala820Val (NM_001265593.2); short protein forms A751V, A788V, A820V.
Identifiers: ClinVar variation 1988200 (VCV001988200.2), dbSNP rs1191857286, ClinGen allele CA338117891.
Genomic context (GRCh38, chr1:6,468,584, plus strand): 5'-GACAGCGTGTCCCCAGGCTCTACCACAACCATGGCCAGGGTCTCCGTGGAGCCATCTGAG[G>A]CACTGTGGGGCCAGGAGCAGAGTCAGCCCAGGCCATGAAACCTAGATGGCCTGAGGCAGC-3'
Protein context (NP_065682.2, residues 741-761): SSGSPDSQHC[Ala751Val]SDGSTETLAM